The following is an entry in ClinVar:

ClinVar aggregate classification (germline): Likely benign (1 of 4 stars; one submission).

Submission:

GeneDx
Classification: Likely benign. Last evaluated: 2018-04-13. Review status: criteria provided, single submitter. Criteria: GeneDx Variant Classification (06012015). Collection method: clinical testing. Allele origin: germline. Affected: yes.
Comment: This variant is considered likely benign or benign based on one or more of the following criteria: it is a conservative change, it occurs at a poorly conserved position in the protein, it is predicted to be benign by multiple in silico algorithms, and/or has population frequency not consistent with disease.

NM_020774.4(MIB1):c.1237+17_1237+18del

Gene: MIB1 (MIB E3 ubiquitin protein ligase 1; plus strand). Cytogenetic location: 18q11.2.
Variant type: Microsatellite.
Coding change: c.1237+17_1237+18del on transcript NM_020774.4 (MANE Select); bases 17 to 18 of the intron after coding-DNA position 1237, 2 bases deleted (GT; older notation c.1237+17_1237+18delGT).
Molecular consequence: intron variant.
Genome position (GRCh38, 1-based): chr18:21,798,245-21,798,246, GT deleted; deleting any 2 consecutive bases within chr18:21,798,242-21,798,246 gives the same sequence; the c. name uses the placement nearest the transcript's 3' end. VCF-style (leftmost placement, unchanged base first): chr18-21798241-TTG-T. GRCh37 (hg19) VCF-style: chr18-19378202-TTG-T.
Identifiers: ClinVar variation 681734 (VCV000681734.1), dbSNP rs1231186535, ClinGen allele CA628660988.